The following is an entry in ClinVar:

NM_031935.3(HMCN1):c.1021+4T>G

Gene: HMCN1 (hemicentin 1; plus strand). Cytogenetic location: 1q31.1.
Variant type: single nucleotide variant.
Coding change: c.1021+4T>G on transcript NM_031935.3 (MANE Select); 4 bases into the intron after coding-DNA position 1021, T replaced by G.
Molecular consequence: intron variant.
Genome position (GRCh38, 1-based): chr1:185,922,503, T>G. VCF-style: chr1-185922503-T-G. GRCh37 (hg19) VCF-style: chr1-185891635-T-G.
Identifiers: ClinVar variation 4992022 (VCV004992022.1).

ClinVar aggregate classification (germline): Uncertain significance (1 of 4 stars; one submission).

Conditions:
HMCN1-related disorder. Also called: HMCN1-related condition.

gnomAD v4.1: 1 of 1,606,720 alleles (0.000062%); highest among the groups gnomAD compares: Admixed American, 0.0017%; no homozygotes.

Submission:

PreventionGenetics, part of Exact Sciences
Classification: Uncertain significance for HMCN1-related condition. Last evaluated: 2025-09-03. Review status: criteria provided, single submitter. Criteria: ACMG Guidelines, 2015. Collection method: clinical testing. Allele origin: germline.
Comment: The HMCN1 c.1021+4T>G variant is predicted to interfere with splicing. To our knowledge, this variant has not been reported in the literature. This variant is predicted to alter splicing based on available splicing prediction programs (SpliceAI, Jaganathan et al. 2019. PubMed ID: 30661751). However, the use of computer prediction programs is not equivalent to functional evidence. This variant is reported in 0.0030% of alleles in individuals of Latino descent in gnomAD. At this time, the clinical significance of this variant is uncertain due to the absence of conclusive functional and genetic evidence.